The following is an entry in ClinVar:

NM_017760.7(NCAPG2):c.1239G>A (p.Pro413=)

Gene: NCAPG2 (non-SMC condensin II complex subunit G2; minus strand). Cytogenetic location: 7q36.3.
Variant type: single nucleotide variant.
Coding change: c.1239G>A on transcript NM_017760.7 (MANE Select); coding-DNA position 1239, G replaced by A.
Protein change: p.Pro413=; no amino-acid change (proline 413 retained).
Molecular consequence: synonymous variant. On other transcripts: non-coding transcript variant (1).
Genome position (GRCh38, 1-based): chr7:158,675,564, C>T on the plus strand (G>A on the coding strand, the complement: NCAPG2 is on the minus strand). VCF-style: chr7-158675564-C-T. GRCh37 (hg19) VCF-style: chr7-158468256-C-T.
Other names: c.1239G>A, p.Pro413= (NM_001281932.2, NM_001281933.2).
Identifiers: ClinVar variation 3052497 (VCV003052497.2), dbSNP rs370565592, ClinGen allele CA4592891.

ClinVar aggregate classification (germline): Likely benign (0 of 4 stars; one submission).

Conditions:
NCAPG2-related disorder. Also called: NCAPG2-related condition.

Allele frequency attached by ClinVar (database versions not stated): ExAC 0.00022; ESP Exome Variant Server 0.00025; TOPMed 0.00043; gnomAD 0.00046; 1000 Genomes Project 0.00060; 1000 Genomes Project 30x 0.00062.
gnomAD v4.1: 145 of 1,613,658 alleles (0.009%); highest among the groups gnomAD compares: African/African-American, 0.16%; no homozygotes.

Submission:

PreventionGenetics, part of Exact Sciences
Classification: Likely benign for NCAPG2-related condition. Last evaluated: 2019-08-14. Review status: no assertion criteria provided. Collection method: clinical testing. Allele origin: germline.
Comment: This variant is classified as likely benign based on ACMG/AMP sequence variant interpretation guidelines (Richards et al. 2015 PMID: 25741868, with internal and published modifications).